The following is an entry in ClinVar:

ClinVar aggregate classification (germline): Uncertain significance (1 of 4 stars; one submission).

Conditions:
Cardiovascular phenotype. Identifiers: MedGen CN230736.

gnomAD v4.1: 1 of 1,614,112 alleles (0.000062%); highest among the groups gnomAD compares: Non-Finnish European, 0.000085%; no homozygotes.

Submission:

Ambry Genetics
Classification: Uncertain significance for Cardiovascular phenotype. Last evaluated: 2025-09-07. Review status: criteria provided, single submitter. Criteria: Ambry Variant Classification Scheme 2023. Collection method: clinical testing. Allele origin: germline.
Comment: The p.E527G variant (also known as c.1580A>G), located in coding exon 13 of the DSP gene, results from an A to G substitution at nucleotide position 1580. The glutamic acid at codon 527 is replaced by glycine, an amino acid with similar properties. This amino acid position is conserved. In addition, this alteration is predicted to be deleterious by in silico analysis. Based on the available evidence, the clinical significance of this variant remains unclear.

NM_004415.4(DSP):c.1580A>G (p.Glu527Gly)

Gene: DSP (desmoplakin; plus strand). Cytogenetic location: 6p24.3.
Variant type: single nucleotide variant.
Coding change: c.1580A>G on transcript NM_004415.4 (MANE Select); coding-DNA position 1580, A replaced by G.
Protein change: p.Glu527Gly; replaces glutamic acid 527 with glycine.
Molecular consequence: missense variant.
Genome position (GRCh38, 1-based): chr6:7,570,442, A>G. VCF-style: chr6-7570442-A-G. GRCh37 (hg19) VCF-style: chr6-7570675-A-G.
Other names: c.1580A>G, p.Glu527Gly (NM_001008844.3, NM_001319034.2); short protein forms E527G.
Identifiers: ClinVar variation 4245125 (VCV004245125.1).